The following is an entry in ClinVar:

NM_000059.4(BRCA2):c.5924G>C (p.Cys1975Ser)

Gene: BRCA2 (BRCA2 DNA repair associated; plus strand). Cytogenetic location: 13q13.1.
Variant type: single nucleotide variant.
Coding change: c.5924G>C on transcript NM_000059.4 (MANE Select); coding-DNA position 5924, G replaced by C.
Protein change: p.Cys1975Ser; replaces cysteine 1975 with serine.
Molecular consequence: missense variant.
Genome position (GRCh38, 1-based): chr13:32,340,279, G>C. VCF-style: chr13-32340279-G-C. GRCh37 (hg19) VCF-style: chr13-32914416-G-C.
Other names: short protein forms C1975S.
Identifiers: ClinVar variation 236885 (VCV000236885.17), dbSNP rs767378196, ClinGen allele CA6940912.

ClinVar aggregate classification (germline): Conflicting classifications of pathogenicity. Review status: criteria provided, conflicting classifications (1 of 4 stars). 6 submissions from 6 submitters: Uncertain significance (5); Likely benign (1). Last evaluated 2025-12-26.

Conditions:
BRCA2-related cancer predisposition. Identifiers: MedGen CN377758, MONDO:0700269.
Hereditary cancer-predisposing syndrome. Also called: Tumor predisposition; Hereditary neoplastic syndrome; Hereditary Cancer Syndrome; Neoplastic Syndromes, Hereditary. Identifiers: Orphanet 140162, MedGen C0027672, MeSH D009386, MONDO:0015356.
Hereditary breast ovarian cancer syndrome. Also called: Hereditary breast and/or ovarian cancer syndrome; Breast and ovarian cancer; Hereditary breast and ovarian cancer; Hereditary breast and ovarian cancer syndrome; Hereditary breast and ovarian cancer syndrome (HBOC); BRCA1- and BRCA2-Associated Hereditary Breast and Ovarian Cancer. Identifiers: Orphanet 145, MedGen C0677776, MeSH D061325, MONDO:0003582. Disease mechanism: loss of function.
Breast-ovarian cancer, familial, susceptibility to, 2 (BROVCA2). Also called: BRCA2 Hereditary Breast and Ovarian Cancer. Identifiers: Orphanet 145, MedGen C2675520, MONDO:0012933, OMIM 612555. Disease mechanism: loss of function.

Allele frequency attached by ClinVar (database versions not stated): gnomAD exomes below 0.00001; ExAC 0.00001.
gnomAD v4.1: 1 of 1,614,000 alleles (0.000062%); highest among the groups gnomAD compares: Non-Finnish European, 0.000085%; no homozygotes.

Submissions (6):

Dasa
Classification: Uncertain significance for Breast-ovarian cancer, familial, susceptibility to, 2. Last evaluated: 2025-12-26. Review status: criteria provided, single submitter. Criteria: DASA Assertion Criteria. Collection method: clinical testing. Allele origin: germline.
Comment: NM_000059.4(BRCA2):c.5924G>C (p.Cys1975Ser) is a missense variant that results in the substitution of cysteine with serine. This variant is rare in population databases. The currently available literature and clinical evidence are not sufficient to establish a definitive association between this variant and the reported condition. Therefore, this variant is classified as a variant of uncertain significance.

Labcorp Genetics (formerly Invitae), Labcorp
Classification: Uncertain significance for Hereditary breast ovarian cancer syndrome. Last evaluated: 2023-10-04. Review status: criteria provided, single submitter. Criteria: Invitae Variant Classification Sherloc (09022015). Collection method: clinical testing. Allele origin: germline.
Comment: This sequence change replaces cysteine, which is neutral and slightly polar, with serine, which is neutral and polar, at codon 1975 of the BRCA2 protein (p.Cys1975Ser). This variant is present in population databases (rs767378196, gnomAD 0.006%). This variant has not been reported in the literature in individuals affected with BRCA2-related conditions. ClinVar contains an entry for this variant (Variation ID: 236885). Advanced modeling of protein sequence and biophysical properties (such as structural, functional, and spatial information, amino acid conservation, physicochemical variation, residue mobility, and thermodynamic stability) performed at Invitae indicates that this missense variant is not expected to disrupt BRCA2 protein function. In summary, the available evidence is currently insufficient to determine the role of this variant in disease. Therefore, it has been classified as a Variant of Uncertain Significance.

University of Washington Department of Laboratory Medicine, University of Washington
Classification: Likely benign for Hereditary cancer-predisposing syndrome. Last evaluated: 2023-03-23. Review status: criteria provided, single submitter. Criteria: Dines et al. (Genet Med. 2020). Collection method: curation. Allele origin: germline.
Comment: Missense variant in a coldspot region where missense variants are very unlikely to be pathogenic (PMID:31911673).

BRCA2 exon 11 coldspot. Reclassification based on statistical prior probability.

Department of Pathology and Laboratory Medicine, Sinai Health System
Classification: Uncertain significance for BRCA2-related cancer predisposition. Last evaluated: 2020-09-22. Review status: criteria provided, single submitter. Criteria: ACMG Guidelines, 2015. Collection method: clinical testing. Allele origin: germline.

Color Diagnostics, LLC DBA Color Health
Classification: Uncertain significance for Hereditary cancer-predisposing syndrome. Last evaluated: 2020-03-23. Review status: criteria provided, single submitter. Criteria: ACMG Guidelines, 2015. Collection method: clinical testing. Allele origin: germline.
Comment: This missense variant replaces cysteine with serine at codon 1975 of the BRCA2 protein. Computational prediction suggests that this variant may not impact protein structure and function (internally defined REVEL score threshold <= 0.5, PMID: 27666373). Splice site prediction tools suggest that this variant may not impact RNA splicing. To our knowledge, functional studies have not been reported for this variant. This variant has not been reported in individuals affected with hereditary cancer in the literature. This variant has been identified in 1/250792 chromosomes in the general population by the Genome Aggregation Database (gnomAD). The available evidence is insufficient to determine the role of this variant in disease conclusively. Therefore, this variant is classified as a Variant of Uncertain Significance.

Ambry Genetics
Classification: Uncertain significance for Hereditary cancer-predisposing syndrome. Last evaluated: 2019-09-16. Review status: criteria provided, single submitter. Criteria: Ambry Variant Classification Scheme 2023. Collection method: clinical testing. Allele origin: germline.
Comment: The p.C1975S variant (also known as c.5924G>C), located in coding exon 10 of the BRCA2 gene, results from a G to C substitution at nucleotide position 5924. The cysteine at codon 1975 is replaced by serine, an amino acid with dissimilar properties. This amino acid position is not well conserved in available vertebrate species. In addition, this alteration is predicted to be tolerated by in silico analysis. Since supporting evidence is limited at this time, the clinical significance of this alteration remains unclear.